The following is an entry in ClinVar:

ClinVar aggregate classification (germline): Uncertain significance. Review status: criteria provided, multiple submitters, no conflicts (2 of 4 stars). 2 submissions from 2 submitters: Uncertain significance (2). Last evaluated 2026-06-16.

Conditions:
TUB-related disorder. Also called: TUB-related condition.

Allele frequency attached by ClinVar (database versions not stated): ExAC 0.00001; gnomAD exomes 0.00002; gnomAD 0.00004; TOPMed 0.00005.
gnomAD v4.1: 32 of 1,613,994 alleles (0.002%); highest among the groups gnomAD compares: African/African-American, 0.004%; no homozygotes.

Submissions (2):

PreventionGenetics, part of Exact Sciences
Classification: Uncertain significance for TUB-related condition. Last evaluated: 2026-06-16. Review status: criteria provided, single submitter. Criteria: ACMG Guidelines, 2015. Collection method: clinical testing. Allele origin: germline.
Comment: The TUB c.500C>T variant is predicted to result in the amino acid substitution p.Ala167Val. This variant was reported in an individual with cone-rod dystrophy; however, this individual also harbored a homozygous pathogenic RDH12 variant which provides the diagnosis (reported as p.Ala112Val, Patient OGI1242-2406 in Table 1 and Table S1, Scott et al. 2020. PubMed ID: 32014858). This variant is reported in 0.0080% of alleles in individuals of African descent in gnomAD. At this time, the clinical significance of this variant is uncertain due to the absence of conclusive functional and genetic evidence.

Labcorp Genetics (formerly Invitae), Labcorp
Classification: Uncertain significance. Last evaluated: 2022-02-23. Review status: criteria provided, single submitter. Criteria: Invitae Variant Classification Sherloc (09022015). Collection method: clinical testing. Allele origin: germline.
Comment: This sequence change replaces alanine, which is neutral and non-polar, with valine, which is neutral and non-polar, at codon 167 of the TUB protein (p.Ala167Val). This variant is present in population databases (rs755425046, gnomAD 0.008%). This variant has not been reported in the literature in individuals affected with TUB-related conditions. Algorithms developed to predict the effect of missense changes on protein structure and function are either unavailable or do not agree on the potential impact of this missense change (SIFT: "Deleterious"; PolyPhen-2: "Benign"; Align-GVGD: "Class C0"). In summary, the available evidence is currently insufficient to determine the role of this variant in disease. Therefore, it has been classified as a Variant of Uncertain Significance.

NM_177972.3(TUB):c.335C>T (p.Ala112Val)

Genes: RIC3 (RIC3 acetylcholine receptor chaperone; minus strand), TUB (TUB bipartite transcription factor; plus strand). Cytogenetic location: 11p15.4.
Variant type: single nucleotide variant.
Coding change: c.335C>T on transcript NM_177972.3 (MANE Select); coding-DNA position 335, C replaced by T.
Protein change: p.Ala112Val; replaces alanine 112 with valine.
Molecular consequence: missense variant. On other transcripts: non-coding transcript variant (1).
Genome position (GRCh38, 1-based): chr11:8,094,127, C>T. VCF-style: chr11-8094127-C-T. GRCh37 (hg19) VCF-style: chr11-8115674-C-T.
Other names: c.500C>T (NM_003320.4); c.500C>T, p.Ala167Val (NM_003320.5); short protein forms A112V, A167V.
Identifiers: ClinVar variation 1973019 (VCV001973019.4), dbSNP rs755425046, ClinGen allele CA5871039.
Genomic context (GRCh38, chr11:8,094,127, plus strand): 5'-CCAGTGTGCAGCTGGGAGCCACGCGCCCAACAGCACCAGCTTCAGCCAAGAGAACCAAGG[C>T]GGCAGCTACAGCAGGGGGCCAGGGTGGCGCCGCTAGGAAGGAGAAGAAGGGAAAGCACAA-3'
Protein context (NP_813977.1, residues 102-122): TAPASAKRTK[Ala112Val]AATAGGQGGA